The following is an entry in ClinVar:

ClinVar aggregate classification (germline): Pathogenic/Likely pathogenic. Review status: criteria provided, multiple submitters, no conflicts (2 of 4 stars). 2 submissions from 2 submitters: Pathogenic (1); Likely pathogenic (1). Last evaluated 2024-07-23.

Conditions:
Achondrogenesis, type IB (ACG1B). Also called: Achondrogenesis Type 1B. Identifiers: Orphanet 932, Orphanet 93298, MedGen C0265274, MONDO:0010966, OMIM 600972.
Diastrophic dysplasia (DTD). Also called: Diastrophic dwarfism. Identifiers: Orphanet 628, MedGen C0220726, MONDO:0009107, OMIM 222600.
Multiple epiphyseal dysplasia type 4 (EDM4). Also called: MULTIPLE EPIPHYSEAL DYSPLASIA WITH BILAYERED PATELLAE; MULTIPLE EPIPHYSEAL DYSPLASIA WITH CLUBFOOT; MULTIPLE EPIPHYSEAL DYSPLASIA, AUTOSOMAL RECESSIVE; Multiple Epiphyseal Dysplasia, Recessive; SLC26A2-Related Multiple Epiphyseal Dysplasia. Identifiers: Orphanet 93307, MedGen C1847593, MONDO:0009189, OMIM 226900.
Atelosteogenesis type II (AO2). Also called: NEONATAL OSSEOUS DYSPLASIA I; Neonatal osseous dysplasia 1; SLC26A2-Related Atelosteogenesis. Identifiers: Orphanet 56304, MedGen C1850554, MONDO:0009727, OMIM 256050.

Submissions (2):

Labcorp Genetics (formerly Invitae), Labcorp
Classification: Pathogenic for Atelosteogenesis type II; Multiple epiphyseal dysplasia type 4; Achondrogenesis, type IB; Diastrophic dysplasia. Last evaluated: 2024-07-23. Review status: criteria provided, single submitter. Criteria: Invitae Variant Classification Sherloc (09022015). Collection method: clinical testing. Allele origin: germline.
Comment: This sequence change creates a premature translational stop signal (p.Ser481Lysfs*17) in the SLC26A2 gene. While this is not anticipated to result in nonsense mediated decay, it is expected to disrupt the last 259 amino acid(s) of the SLC26A2 protein. This variant is not present in population databases (gnomAD no frequency). This variant has not been reported in the literature in individuals affected with SLC26A2-related conditions. ClinVar contains an entry for this variant (Variation ID: 1070678). This variant disrupts a region of the SLC26A2 protein in which other variant(s) (p.Lys575Serfs*10) have been determined to be pathogenic (PMID: 8528239, 8571951; Invitae). This suggests that this is a clinically significant region of the protein, and that variants that disrupt it are likely to be disease-causing. For these reasons, this variant has been classified as Pathogenic.

Baylor Genetics
Classification: Likely pathogenic for Achondrogenesis, type IB. Last evaluated: 2024-03-01. Review status: criteria provided, single submitter. Criteria: ACMG Guidelines, 2015. Collection method: clinical testing. Allele origin: unknown.

Literature cited by the submitters: PubMed 8528239 (cited by Labcorp Genetics (formerly Invitae), Labcorp); PubMed 8571951 (cited by Labcorp Genetics (formerly Invitae), Labcorp).

NM_000112.4(SLC26A2):c.1441dup (p.Ser481fs)

Gene: SLC26A2 (solute carrier family 26 member 2; plus strand). Cytogenetic location: 5q32.
Variant type: Duplication.
Coding change: c.1441dup on transcript NM_000112.4 (MANE Select); coding-DNA position 1441, one base duplicated (A; older notation c.1441dupA).
Protein change: p.Ser481fs; shifts the reading frame from serine 481.
Molecular consequence: frameshift variant.
Genome position (GRCh38, 1-based): chr5:149,981,034, A duplicated; the last of 6 consecutive A bases (chr5:149,981,029-149,981,034); duplicating any one gives the same sequence. VCF-style (leftmost placement, unchanged base first): chr5-149981028-C-CA. GRCh37 (hg19) VCF-style: chr5-149360591-C-CA.
Other names: short protein forms S481fs.
Identifiers: ClinVar variation 1070678 (VCV001070678.9), dbSNP rs745774620, ClinGen allele CA805530982.